The following is an entry in ClinVar:

ClinVar aggregate classification (germline): Uncertain significance. Review status: criteria provided, multiple submitters, no conflicts (2 of 4 stars). 2 submissions from 2 submitters: Uncertain significance (2). Last evaluated 2025-04-14.

Conditions:
Hereditary cancer-predisposing syndrome. Also called: Tumor predisposition; Hereditary Cancer Syndrome; Hereditary neoplastic syndrome; Neoplastic Syndromes, Hereditary. Identifiers: Orphanet 140162, MedGen C0027672, MeSH D009386, MONDO:0015356.
POLD1-related polyposis and colorectal cancer syndrome (CRCS10). Also called: Colorectal cancer 10; COLORECTAL CANCER, SUSCEPTIBILITY TO, ON CHROMOSOME 19q; Colorectal cancer, susceptibility to, 10. Identifiers: Orphanet 220460, MedGen C2675481, MONDO:0012953, OMIM 612591.

Submissions (2):

Ambry Genetics
Classification: Uncertain significance for Hereditary cancer-predisposing syndrome. Last evaluated: 2025-04-14. Review status: criteria provided, single submitter. Criteria: Ambry Variant Classification Scheme 2023. Collection method: clinical testing. Allele origin: germline.
Comment: The p.G120D variant (also known as c.359G>A), located in coding exon 3 of the POLD1 gene, results from a G to A substitution at nucleotide position 359. The glycine at codon 120 is replaced by aspartic acid, an amino acid with similar properties. This amino acid position is conserved. In addition, this alteration is predicted to be tolerated by in silico analysis. Based on the available evidence, the clinical significance of this variant remains unclear.

Labcorp Genetics (formerly Invitae), Labcorp
Classification: Uncertain significance for POLD1-related polyposis and colorectal cancer syndrome. Last evaluated: 2024-05-12. Review status: criteria provided, single submitter. Criteria: Invitae Variant Classification Sherloc (09022015). Collection method: clinical testing. Allele origin: germline.
Comment: This sequence change replaces glycine, which is neutral and non-polar, with aspartic acid, which is acidic and polar, at codon 120 of the POLD1 protein (p.Gly120Asp). This variant is not present in population databases (gnomAD no frequency). This variant has not been reported in the literature in individuals affected with POLD1-related conditions. ClinVar contains an entry for this variant (Variation ID: 1010153). Advanced modeling of protein sequence and biophysical properties (such as structural, functional, and spatial information, amino acid conservation, physicochemical variation, residue mobility, and thermodynamic stability) performed at Invitae indicates that this missense variant is not expected to disrupt POLD1 protein function with a negative predictive value of 80%. In summary, the available evidence is currently insufficient to determine the role of this variant in disease. Therefore, it has been classified as a Variant of Uncertain Significance.

NM_002691.4(POLD1):c.359G>A (p.Gly120Asp)

Gene: POLD1 (DNA polymerase delta 1, catalytic subunit; plus strand). Cytogenetic location: 19q13.33.
Variant type: single nucleotide variant.
Coding change: c.359G>A on transcript NM_002691.4 (MANE Select); coding-DNA position 359, G replaced by A.
Protein change: p.Gly120Asp; replaces glycine 120 with aspartic acid.
Molecular consequence: missense variant. On other transcripts: non-coding transcript variant (1).
Genome position (GRCh38, 1-based): chr19:50,401,820, G>A. VCF-style: chr19-50401820-G-A. GRCh37 (hg19) VCF-style: chr19-50905077-G-A.
Other names: c.359G>A, p.Gly120Asp (NM_001256849.1, NM_001308632.1); c.359G>A (NM_002691.2); short protein forms G120D.
Identifiers: ClinVar variation 1010153 (VCV001010153.9), dbSNP rs2038644870, ClinGen allele CA406972234.